The following is an entry in ClinVar:

NM_000316.3(PTH1R):c.299G>A (p.Gly100Asp)

Gene: PTH1R (parathyroid hormone 1 receptor; plus strand). Cytogenetic location: 3p21.31.
Variant type: single nucleotide variant.
Coding change: c.299G>A on transcript NM_000316.3 (MANE Select); coding-DNA position 299, G replaced by A.
Protein change: p.Gly100Asp; replaces glycine 100 with aspartic acid.
Molecular consequence: missense variant.
Genome position (GRCh38, 1-based): chr3:46,895,855, G>A. VCF-style: chr3-46895855-G-A. GRCh37 (hg19) VCF-style: chr3-46937345-G-A.
Other names: c.299G>A, p.Gly100Asp (NM_001184744.1); short protein forms G100D.
Identifiers: ClinVar variation 345581 (VCV000345581.37), dbSNP rs41290646, ClinGen allele CA2359135.

ClinVar aggregate classification (germline): Benign/Likely benign. Review status: criteria provided, multiple submitters, no conflicts (2 of 4 stars). 11 submissions from 10 submitters: Benign (1); Likely benign (9). 1 of the submissions does not count toward it. Last evaluated 2026-09-01.

Conditions:
Connective tissue disorder. Also called: Connective tissue disease. Identifiers: MedGen C0009782, MONDO:0003900.
Chondrodysplasia Blomstrand type (BOCD). Identifiers: Orphanet 50945, MedGen C1859148, MONDO:0008970, OMIM 215045.
Metaphyseal chondrodysplasia, Jansen type. Also called: PTH1R-Related Jansen Metaphyseal Chondrodysplasia; Metaphyseal chondrodysplasia Murk Jansen type. Identifiers: Orphanet 33067, MedGen C0265295, MONDO:0007982, OMIM 156400.

Allele frequency attached by ClinVar (database versions not stated): 1000 Genomes Project 30x 0.00109; 1000 Genomes Project 0.00140; gnomAD exomes 0.00202 and 0.00209; gnomAD 0.00216 and 0.00218; ExAC 0.00235; TOPMed 0.00243; ESP Exome Variant Server 0.00323.
gnomAD v4.1: 3,359 of 1,613,322 alleles (0.21%); highest among the groups gnomAD compares: Non-Finnish European, 0.26%; 15 homozygotes.

Submissions (11):

CeGaT Center for Human Genetics Tuebingen
Classification: Likely benign. Last evaluated: 2026-09-01. Review status: criteria provided, single submitter. Criteria: CeGaT Center For Human Genetics Tuebingen Variant Classification Criteria Version 2. Collection method: clinical testing. Allele origin: germline. Affected: yes. Observed: 2 variant alleles.
Comment: PTH1R: BP4, BS2

Labcorp Genetics (formerly Invitae), Labcorp
Classification: Benign. Last evaluated: 2026-01-12. Review status: criteria provided, single submitter. Criteria: Invitae Variant Classification Sherloc (09022015). Collection method: clinical testing. Allele origin: germline.

Blueprint Genetics
Classification: Likely benign. Last evaluated: 2024-11-25. Review status: criteria provided, single submitter. Criteria: ACMG Guidelines, 2015. Collection method: clinical testing. Allele origin: germline.

ARUP Laboratories, Molecular Genetics and Genomics, ARUP Laboratories
Classification: Likely benign. Last evaluated: 2020-12-17. Review status: criteria provided, single submitter. Criteria: ARUP Molecular Germline Variant Investigation Process 2021. Collection method: clinical testing. Allele origin: germline.

Genome Diagnostics Laboratory, The Hospital for Sick Children
Classification: Likely benign for Connective tissue disorder. Last evaluated: 2020-01-01. Review status: criteria provided, single submitter. Criteria: ACMG Guidelines, 2015. Collection method: clinical testing. Allele origin: germline.

Genetic Services Laboratory, University of Chicago
Classification: Likely benign. Last evaluated: 2018-10-31. Review status: criteria provided, single submitter. Criteria: ACMG Guidelines, 2015. Collection method: clinical testing. Allele origin: germline. Affected: no.

Center for Pediatric Genomic Medicine, Children's Mercy Hospital and Clinics
Classification: Likely benign. Last evaluated: 2017-08-10. Review status: criteria provided, single submitter. Criteria: ACMG Guidelines, 2015. Collection method: clinical testing. Allele origin: germline.

Illumina Laboratory Services, Illumina
Classification: Likely benign for Chondrodysplasia Blomstrand type. Last evaluated: 2017-04-27. Review status: criteria provided, single submitter. Criteria: ICSL Variant Classification Criteria 13 December 2019. Collection method: clinical testing. Allele origin: germline.
Comment: This variant was observed as part of a predisposition screen in an ostensibly healthy population. A literature search was performed for the gene, cDNA change, and amino acid change (where applicable). Publications were found based on this search. The evidence from the literature, in combination with allele frequency data from public databases where available, was sufficient to determine this variant is unlikely to cause disease. Therefore, this variant is classified as likely benign.

Illumina Laboratory Services, Illumina
Classification: Likely benign for Metaphyseal chondrodysplasia, Jansen type. Last evaluated: 2017-04-27. Review status: criteria provided, single submitter. Criteria: ICSL Variant Classification Criteria 13 December 2019. Collection method: clinical testing. Allele origin: germline.
Comment: the same text as in the submission from Illumina Laboratory Services, Illumina above.

Breakthrough Genomics
Classification: Likely benign. Review status: criteria provided, single submitter. Criteria: ACMG Guidelines, 2015. Collection method: not provided. Allele origin: germline. Inheritance: Autosomal recessive inheritance. Affected: yes.

Department of Pathology and Laboratory Medicine, Sinai Health System
Classification: Benign. Review status: no assertion criteria provided. Collection method: clinical testing. Allele origin: unknown. Affected: yes. Study: The Canadian Open Genetics Repository (COGR). Not counted in ClinVar's aggregate classification.
Comment: The PTH1R p.Gly100Asp variant was identified in 1 of 168 proband chromosomes (frequency: 0.00595) from individuals with Ollier disease and was present in 1 of 444 control chromosomes (frequency: 0.00225) from healthy individuals (Couvineau_2008_PMID:18559376). The variant was identified in dbSNP (ID: rs41290646), LOVD 3.0 and ClinVar (classified as likely benign by Illumina and Center for Pediatric Genomic Medicine, and as benign by Invitae). The variant was identified in control databases in 563 of 282480 chromosomes (2 homozygous) at a frequency of 0.001993 increasing the likelihood this could be a low frequency benign variant (Genome Aggregation Database March 6, 2019, v2.1.1). The variant was observed in the following populations: European (non-Finnish) in 471 of 128948 chromosomes (freq: 0.003653), Other in 15 of 7214 chromosomes (freq: 0.002079), European (Finnish) in 29 of 25098 chromosomes (freq: 0.001155), Latino in 38 of 35402 chromosomes (freq: 0.001073), Ashkenazi Jewish in 3 of 10362 chromosomes (freq: 0.00029), African in 5 of 24916 chromosomes (freq: 0.000201) and South Asian in 2 of 30598 chromosomes (freq: 0.000065), but was not observed in the East Asian population. The p.Gly100 residue is conserved in mammals and computational analyses (PolyPhen-2, SIFT, AlignGVGD, BLOSUM, MutationTaster) provide inconsistent predictions regarding the impact to the protein; this information is not very predictive of pathogenicity. The variant occurs outside of the splicing consensus sequence and 1 of 4 in silico or computational prediction software programs (SpliceSiteFinder, MaxEntScan, NNSPLICE, GeneSplicer) predict a greater than 10% difference in splicing; this is not very predictive of pathogenicity. Functional in vitro assays demonstrated that the p.Gly100Asp variant results in <5% ligand binding compared to wildtype, however localization and receptor function was not affected by the variant, suggesting no functional effect (Couvineau_2008_PMID:18559376). In summary, based on the above information this variant meets our laboratory's criteria to be classified as benign.

Literature cited by the submitters: PubMed 18559376 (cited by Illumina Laboratory Services, Illumina).